The following is an entry in ClinVar:

ClinVar aggregate classification (germline): Likely benign (1 of 4 stars; one submission).

gnomAD v4.1: 3,841 of 1,580,796 alleles (0.24%); highest among the groups gnomAD compares: Non-Finnish European, 0.3%; 4 homozygotes.

Submission:

CeGaT Center for Human Genetics Tuebingen
Classification: Likely benign. Last evaluated: 2026-02-01. Review status: criteria provided, single submitter. Criteria: CeGaT Center For Human Genetics Tuebingen Variant Classification Criteria Version 2. Collection method: clinical testing. Allele origin: germline. Affected: yes. Observed: 2 variant alleles.
Comment: DOT1L: BP4

NM_032482.3(DOT1L):c.1058C>G (p.Ala353Gly)

Gene: DOT1L (DOT1 like histone lysine methyltransferase; plus strand). Cytogenetic location: 19p13.3.
Variant type: single nucleotide variant.
Coding change: c.1058C>G on transcript NM_032482.3 (MANE Select); coding-DNA position 1058, C replaced by G.
Protein change: p.Ala353Gly; replaces alanine 353 with glycine.
Molecular consequence: missense variant.
Genome position (GRCh38, 1-based): chr19:2,210,452, C>G. VCF-style: chr19-2210452-C-G. GRCh37 (hg19) VCF-style: chr19-2210451-C-G.
Other names: c.1058C>G, p.Ala353Gly (NM_001411141.1); short protein forms A353G.
Identifiers: ClinVar variation 4281608 (VCV004281608.7).